The following is an entry in ClinVar:

ClinVar aggregate classification (germline): Pathogenic. Review status: criteria provided, single submitter (1 of 4 stars). 2 submissions from 2 submitters: Pathogenic (1). 1 of the submissions does not count toward it. Last evaluated 2022-02-24.

Conditions:
Leukodystrophy, hypomyelinating, 8, with or without oligodontia and/or hypogonadotropic hypogonadism. Also called: LEUKODYSTROPHY, HYPOMYELINATING, 8, WITH HYPODONTIA AND HYPOGONADOTROPIC HYPOGONADISM; Hypomyelinating leukodystrophy 8 with or without oligodontia and-or hypogonadotropic hypogonadism; Endosteal sclerosis-cerebellar hypoplasia syndrome. Identifiers: Orphanet 85186, Orphanet 88637, MedGen C3280644, MONDO:0013722, OMIM 614381.

Allele frequency attached by ClinVar (database versions not stated): gnomAD exomes 0.00003; ExAC 0.00004; ESP Exome Variant Server 0.00008.
gnomAD v4.1: 30 of 1,613,240 alleles (0.0019%); highest among the groups gnomAD compares: South Asian, 0.0033%; no homozygotes.

Submissions (2):

Broad Center for Mendelian Genomics, Broad Institute of MIT and Harvard
Classification: Pathogenic for Leukodystrophy, hypomyelinating, 8, with or without oligodontia and/or hypogonadotropic hypogonadism. Last evaluated: 2022-02-24. Review status: criteria provided, single submitter. Criteria: ACMG Guidelines, 2015. Collection method: curation. Allele origin: germline. Inheritance: Autosomal recessive inheritance.
Comment: The p.Arg340Ter variant in POLR3B has been reported in 1 individual in the compound heterozygous state with 4H leukodystrophy (PMID: 25339210), and has been identified in 0.005% (1/18368) of East Asian chromosomes by the Genome Aggregation Database (gnomAD; dbSNP ID: rs780148992). Although this variant has been seen in the general population in a heterozygous state, its frequency is low enough to be consistent with a recessive carrier frequency. This variant has also been reported in ClinVar (Variation ID#: 1184083) and has been interpreted as pathogenic by GeneReviews. This nonsense variant leads to a premature termination codon at position 340, which is predicted to lead to a truncated or absent protein. Loss of function of the POLR3B gene is an established disease mechanism in autosomal recessive 4H leukodystrophy. In summary, this variant meets criteria to be classified as pathogenic for autosomal recessive 4H leukodystrophy. ACMG/AMP Criteria applied: PVS1, PM2_supporting, PM3_supporting (Richards 2015).

GeneReviews
No classification provided. Condition: Leukodystrophy, hypomyelinating, 8, with or without oligodontia and/or hypogonadotropic hypogonadism. Review status: no classification provided. Collection method: literature only. Allele origin: germline. Not counted in ClinVar's aggregate classification.

Literature cited by the submitters: PubMed 25339210 (cited by GeneReviews); PubMed 22855961 (cited by GeneReviews).

NM_018082.6(POLR3B):c.1018C>T (p.Arg340Ter)

Gene: POLR3B (RNA polymerase III subunit B; plus strand). Cytogenetic location: 12q23.3.
Variant type: single nucleotide variant.
Coding change: c.1018C>T on transcript NM_018082.6 (MANE Select); coding-DNA position 1018, C replaced by T.
Protein change: p.Arg340Ter; replaces arginine 340 with a stop codon.
Molecular consequence: nonsense.
Genome position (GRCh38, 1-based): chr12:106,410,877, C>T. VCF-style: chr12-106410877-C-T. GRCh37 (hg19) VCF-style: chr12-106804655-C-T.
Other names: NM_018082.6(POLR3B):c.1018C>T; p.Arg340Ter; c.844C>T, p.Arg282Ter (NM_001160708.2); short protein forms R282*, R340*.
Identifiers: ClinVar variation 1184083 (VCV001184083.4), dbSNP rs148879912, ClinGen allele CA6761856.